The following is an entry in ClinVar:

NM_001267550.2(TTN):c.55123G>A (p.Glu18375Lys)

Genes: TTN (titin; minus strand), TTN-AS1 (TTN antisense RNA 1; plus strand). Cytogenetic location: 2q31.2.
Variant type: single nucleotide variant.
Coding change: c.55123G>A on transcript NM_001267550.2 (MANE Select); coding-DNA position 55123, G replaced by A.
Protein change: p.Glu18375Lys; replaces glutamic acid 18375 with lysine.
Molecular consequence: missense variant.
Genome position (GRCh38, 1-based): chr2:178,602,148, C>T on the plus strand (G>A on the coding strand, the complement: TTN is on the minus strand). VCF-style: chr2-178602148-C-T. GRCh37 (hg19) VCF-style: chr2-179466875-C-T.
Other names: c.50200G>A, p.Glu16734Lys (NM_001256850.1); c.27928G>A, p.Glu9310Lys (NM_003319.4); c.47419G>A, p.Glu15807Lys (NM_133378.4); c.28303G>A, p.Glu9435Lys (NM_133432.3); c.28504G>A, p.Glu9502Lys (NM_133437.4); short protein forms E15807K, E16734K, E18375K, E9310K, E9435K, E9502K.
Identifiers: ClinVar variation 2684094 (VCV002684094.1), dbSNP rs776266943, ClinGen allele CA60978307.

ClinVar aggregate classification (germline): Uncertain significance (1 of 4 stars; one submission).

Allele frequency attached by ClinVar (database versions not stated): gnomAD exomes below 0.00001; gnomAD 0.00001; TOPMed 0.00001.
gnomAD v4.1: 5 of 1,603,716 alleles (0.00031%); highest among the groups gnomAD compares: Non-Finnish European, 0.00043%; no homozygotes.

Submission:

Athena Diagnostics
Classification: Uncertain significance. Last evaluated: 2023-06-26. Review status: criteria provided, single submitter. Criteria: Athena Diagnostics Criteria. Collection method: clinical testing. Allele origin: unknown.
Comment: Available data are insufficient to determine the clinical significance of the variant at this time. The frequency of this variant in the general population is uninformative in assessment of its pathogenicity. Computational tools predict that this variant is not damaging.